The following is an entry in ClinVar:

NM_032271.3(TRAF7):c.897C>A (p.His299Gln)

Gene: TRAF7 (TNF receptor associated factor 7; plus strand). Cytogenetic location: 16p13.3.
Variant type: single nucleotide variant.
Coding change: c.897C>A on transcript NM_032271.3 (MANE Select); coding-DNA position 897, C replaced by A.
Protein change: p.His299Gln; replaces histidine 299 with glutamine.
Molecular consequence: missense variant.
Genome position (GRCh38, 1-based): chr16:2,173,284, C>A. VCF-style: chr16-2173284-C-A. GRCh37 (hg19) VCF-style: chr16-2223285-C-A.
Other names: short protein forms H299Q.
Identifiers: ClinVar variation 2633150 (VCV002633150.1), dbSNP rs369566946, ClinGen allele CA394326263.

ClinVar aggregate classification (germline): Uncertain significance (1 of 4 stars; one submission).

Conditions:
TRAF7-related disorder. Also called: TRAF7-related condition.

gnomAD v4.1: 1 of 1,613,600 alleles (0.000062%); highest among the groups gnomAD compares: Non-Finnish European, 0.000085%; no homozygotes.

Submission:

PreventionGenetics, part of Exact Sciences
Classification: Uncertain significance for TRAF7-related condition. Last evaluated: 2023-05-02. Review status: criteria provided, single submitter. Criteria: ACMG Guidelines, 2015. Collection method: clinical testing. Allele origin: germline.
Comment: The TRAF7 c.897C>A variant is predicted to result in the amino acid substitution p.His299Gln. To our knowledge, this variant has not been reported in the literature or in a large population database, indicating this variant is rare. At this time, the clinical significance of this variant is uncertain due to the absence of conclusive functional and genetic evidence.